The following is an entry in ClinVar:

ClinVar aggregate classification (germline): Uncertain significance. Review status: criteria provided, multiple submitters, no conflicts (2 of 4 stars). 2 submissions from 2 submitters: Uncertain significance (2). Last evaluated 2021-10-29.

Allele frequency attached by ClinVar (database versions not stated): gnomAD exomes 0.00001 and 0.00002; ExAC 0.00004.

Submissions (2):

Ambry Genetics
Classification: Uncertain significance. Last evaluated: 2021-10-29. Review status: criteria provided, single submitter. Criteria: Ambry Variant Classification Scheme 2023. Collection method: clinical testing. Allele origin: germline.

Labcorp Genetics (formerly Invitae), Labcorp
Classification: Uncertain significance. Last evaluated: 2021-09-17. Review status: criteria provided, single submitter. Criteria: Invitae Variant Classification Sherloc (09022015). Collection method: clinical testing. Allele origin: germline.
Comment: This sequence change replaces cysteine with tyrosine at codon 638 of the C2 protein (p.Cys638Tyr). The cysteine residue is highly conserved and there is a large physicochemical difference between cysteine and tyrosine. This variant is present in population databases (rs780258553, ExAC 0.008%). This variant has not been reported in the literature in individuals affected with C2-related conditions. Algorithms developed to predict the effect of missense changes on protein structure and function are either unavailable or do not agree on the potential impact of this missense change (SIFT: "Deleterious"; PolyPhen-2: "Probably Damaging"; Align-GVGD: "Class C0"). In summary, the available evidence is currently insufficient to determine the role of this variant in disease. Therefore, it has been classified as a Variant of Uncertain Significance.

NM_000063.6(C2):c.1913G>A (p.Cys638Tyr)

Gene: C2 (complement C2; plus strand). Cytogenetic location: 6p21.33.
Variant type: single nucleotide variant.
Coding change: c.1913G>A on transcript NM_000063.6 (MANE Select); coding-DNA position 1913, G replaced by A.
Protein change: p.Cys638Tyr; replaces cysteine 638 with tyrosine.
Molecular consequence: missense variant.
Genome position (GRCh38, 1-based): chr6:31,944,737, G>A. VCF-style: chr6-31944737-G-A. GRCh37 (hg19) VCF-style: chr6-31912514-G-A.
Other names: c.1913G>A (NM_000063.4); c.1517G>A, p.Cys506Tyr (NM_001145903.3); c.1271G>A, p.Cys424Tyr (NM_001178063.3); c.1175G>A, p.Cys392Tyr (NM_001282457.2); c.1826G>A, p.Cys609Tyr (NM_001282458.2); short protein forms C506Y, C609Y, C392Y, C424Y, C638Y.
Identifiers: ClinVar variation 1416715 (VCV001416715.7), dbSNP rs780258553, ClinGen allele CA3727833.